The following is an entry in ClinVar:

NM_001306144.3(MTMR1):c.1950C>T (p.Arg650=)

Gene: MTMR1 (myotubularin related protein 1; plus strand). Cytogenetic location: Xq28.
Variant type: single nucleotide variant.
Coding change: c.1950C>T on transcript NM_001306144.3 (MANE Select); coding-DNA position 1950, C replaced by T.
Protein change: p.Arg650=; no amino-acid change (arginine 650 retained).
Molecular consequence: synonymous variant. On other transcripts: non-coding transcript variant (1).
Genome position (GRCh38, 1-based): chrX:150,762,657, C>T. VCF-style: chrX-150762657-C-T. GRCh37 (hg19) VCF-style: chrX-149931130-C-T.
Other names: c.1977C>T, p.Arg659= (NM_001353990.2); c.1644C>T, p.Arg548= (NM_001353991.1, NM_001353992.1, NM_001353993.1 and 3 more transcripts); c.1926C>T, p.Arg642= (NM_003828.5).
Identifiers: ClinVar variation 2661637 (VCV002661637.24), dbSNP rs782415979, ClinGen allele CA10539685.

ClinVar aggregate classification (germline): Likely benign (1 of 4 stars; one submission).

Allele frequency attached by ClinVar (database versions not stated): gnomAD 0.00002.
gnomAD v4.1: 43 of 1,208,144 alleles (0.0036%); highest among the groups gnomAD compares: South Asian, 0.027%; no homozygotes.

Submission:

CeGaT Center for Human Genetics Tuebingen
Classification: Likely benign. Last evaluated: 2022-04-01. Review status: criteria provided, single submitter. Criteria: CeGaT Center For Human Genetics Tuebingen Variant Classification Criteria Version 2. Collection method: clinical testing. Allele origin: germline. Affected: yes. Observed: 1 variant allele.
Comment: MTMR1: BP4, BP7